The following is an entry in ClinVar:

ClinVar aggregate classification (germline): Likely benign. Review status: criteria provided, multiple submitters, no conflicts (2 of 4 stars). 2 submissions from 2 submitters: Likely benign (2). Last evaluated 2024-11-04.

Allele frequency attached by ClinVar (database versions not stated): TOPMed 0.00006; ESP Exome Variant Server 0.00008; gnomAD 0.00008; 1000 Genomes Project 0.00020; 1000 Genomes Project 30x 0.00031.
gnomAD v4.1: 136 of 1,612,546 alleles (0.0084%); highest among the groups gnomAD compares: South Asian, 0.023%; 1 homozygote.

Submissions (2):

Blueprint Genetics
Classification: Likely benign. Last evaluated: 2024-11-04. Review status: criteria provided, single submitter. Criteria: ACMG Guidelines, 2015. Collection method: clinical testing. Allele origin: germline.

CeGaT Center for Human Genetics Tuebingen
Classification: Likely benign. Last evaluated: 2022-08-01. Review status: criteria provided, single submitter. Criteria: CeGaT Center For Human Genetics Tuebingen Variant Classification Criteria Version 2. Collection method: clinical testing. Allele origin: germline. Affected: yes. Observed: 1 variant allele.
Comment: ABCA2: BP4, BP7

NM_001606.5(ABCA2):c.5385C>T (p.Ile1795=)

Gene: ABCA2 (ATP binding cassette subfamily A member 2; minus strand). Cytogenetic location: 9q34.3.
Variant type: single nucleotide variant.
Coding change: c.5385C>T on transcript NM_001606.5 (MANE Select); coding-DNA position 5385, C replaced by T.
Protein change: p.Ile1795=; no amino-acid change (isoleucine 1795 retained).
Molecular consequence: synonymous variant.
Genome position (GRCh38, 1-based): chr9:137,011,994, G>A on the plus strand (C>T on the coding strand, the complement: ABCA2 is on the minus strand). VCF-style: chr9-137011994-G-A. GRCh37 (hg19) VCF-style: chr9-139906446-G-A.
Other names: c.5382C>T, p.Ile1794= (NM_001411042.1); c.5475C>T, p.Ile1825= (NM_212533.3).
Identifiers: ClinVar variation 2659771 (VCV002659771.25), dbSNP rs373681636, ClinGen allele CA5354015.